The following is an entry in ClinVar:

NM_000127.3(EXT1):c.1632+1G>A

Gene: EXT1 (exostosin glycosyltransferase 1; minus strand). Cytogenetic location: 8q24.11.
Variant type: single nucleotide variant.
Coding change: c.1632+1G>A on transcript NM_000127.3 (MANE Select); the canonical splice donor site of the intron after coding-DNA position 1632, G replaced by A.
Molecular consequence: splice donor variant.
Genome position (GRCh38, 1-based): chr8:117,818,434, C>T on the plus strand (G>A on the coding strand, the complement: EXT1 is on the minus strand). VCF-style: chr8-117818434-C-T. GRCh37 (hg19) VCF-style: chr8-118830673-C-T.
Identifiers: ClinVar variation 4710753 (VCV004710753.1).

ClinVar aggregate classification (germline): Pathogenic (1 of 4 stars; one submission).

Conditions:
Multiple congenital exostosis (EXT). Also called: MULTIPLE CARTILAGINOUS EXOSTOSES; Hereditary multiple exostoses; Hereditary multiple exostosis; Hereditary multiple osteochondromas; Multiple osteochondromas; Multiple exostoses. Identifiers: Orphanet 321, MedGen C0015306, MONDO:0005508, HP:0002762.

Submission:

Labcorp Genetics (formerly Invitae), Labcorp
Classification: Pathogenic for Multiple congenital exostosis. Last evaluated: 2025-12-15. Review status: criteria provided, single submitter. Criteria: Invitae Variant Classification Sherloc (09022015). Collection method: clinical testing. Allele origin: germline.
Comment: This sequence change affects a donor splice site in intron 7 of the EXT1 gene. It is expected to disrupt RNA splicing. Variants that disrupt the donor or acceptor splice site typically lead to a loss of protein function (PMID: 16199547), and loss-of-function variants in EXT1 are known to be pathogenic (PMID: 10679937, 11391482, 19810120). This variant is not present in population databases (gnomAD no frequency). Disruption of this splice site has been observed in individual(s) with multiple osteochondromas (internal data). Algorithms developed to predict the effect of sequence changes on RNA splicing suggest that this variant may disrupt the consensus splice site. For these reasons, this variant has been classified as Pathogenic.

Literature cited by the submitters: PubMed 16199547; PubMed 10679937; PubMed 11391482; PubMed 19810120.